The following is an entry in ClinVar:

ClinVar aggregate classification (germline): Uncertain significance (1 of 4 stars; one submission).

Conditions:
Hereditary cancer-predisposing syndrome. Also called: Tumor predisposition; Hereditary Cancer Syndrome; Hereditary neoplastic syndrome; Neoplastic Syndromes, Hereditary. Identifiers: Orphanet 140162, MedGen C0027672, MeSH D009386, MONDO:0015356.

Submission:

Ambry Genetics
Classification: Uncertain significance for Hereditary cancer-predisposing syndrome. Last evaluated: 2023-08-26. Review status: criteria provided, single submitter. Criteria: Ambry Variant Classification Scheme 2023. Collection method: clinical testing. Allele origin: germline.
Comment: The p.G1065E variant (also known as c.3194G>A), located in coding exon 19 of the BRIP1 gene, results from a G to A substitution at nucleotide position 3194. The glycine at codon 1065 is replaced by glutamic acid, an amino acid with similar properties. This amino acid position is conserved. In addition, this alteration is predicted to be tolerated by in silico analysis. Since supporting evidence is limited at this time, the clinical significance of this alteration remains unclear.

NM_032043.3(BRIP1):c.3194G>A (p.Gly1065Glu)

Gene: BRIP1 (BRCA1 interacting DNA helicase 1; minus strand). Cytogenetic location: 17q23.2.
Variant type: single nucleotide variant.
Coding change: c.3194G>A on transcript NM_032043.3 (MANE Select); coding-DNA position 3194, G replaced by A.
Protein change: p.Gly1065Glu; replaces glycine 1065 with glutamic acid.
Molecular consequence: missense variant.
Genome position (GRCh38, 1-based): chr17:61,683,852, C>T on the plus strand (G>A on the coding strand, the complement: BRIP1 is on the minus strand). VCF-style: chr17-61683852-C-T. GRCh37 (hg19) VCF-style: chr17-59761213-C-T.
Other names: short protein forms G1065E.
Identifiers: ClinVar variation 2626398 (VCV002626398.2), dbSNP rs2144084913, ClinGen allele CA400479364.